The following is an entry in ClinVar:

ClinVar aggregate classification (germline): Likely pathogenic (1 of 4 stars; one submission).

Conditions:
MHC class I deficiency 1 (MHC1D1). Also called: HLA CLASS I DEFICIENCY, 1; BARE LYMPHOCYTE SYNDROME, TYPE I; BLS, TYPE I. Identifiers: MedGen C1858266, MONDO:0971006, OMIM 604571.

Submission:

Juno Genomics, Hangzhou Juno Genomics, Inc
Classification: Likely pathogenic for MHC class I deficiency 1. Review status: criteria provided, single submitter. Criteria: ACMG Guidelines, 2015. Collection method: clinical testing. Allele origin: germline.
Comment: Null variant in a gene where loss of function (LOF) is a known mechanism of disease.;Absent from controls (or at extremely low frequency if recessive) in Genome Aggregation Database.

NM_000593.6(TAP1):c.979del (p.Leu327fs)

Gene: TAP1 (transporter 1, ATP binding cassette subfamily B member; minus strand). Cytogenetic location: 6p21.32.
Variant type: Deletion.
Coding change: c.979del on transcript NM_000593.6 (MANE Select); coding-DNA position 979, one base deleted (C; older notation c.979delC).
Protein change: p.Leu327fs; shifts the reading frame from leucine 327.
Molecular consequence: frameshift variant.
Genome position (GRCh38, 1-based): chr6:32,851,015, G deleted on the plus strand (C on the coding strand, the reverse complement: TAP1 is on the minus strand); the first of 3 consecutive G bases (chr6:32,851,015-32,851,017); deleting any one gives the same sequence. VCF-style (leftmost placement, unchanged base first): chr6-32851014-AG-A. GRCh37 (hg19) VCF-style: chr6-32818791-AG-A.
Other names: c.376del, p.Leu126fs (NM_001292022.2); short protein forms L126fs, L327fs.
Identifiers: ClinVar variation 5007037 (VCV005007037.2).